The following is an entry in ClinVar:

ClinVar aggregate classification (germline): Uncertain significance (0 of 4 stars; one submission).

Conditions:
NRP1-related disorder. Also called: NRP1-related condition.

gnomAD v4.1: 2 of 1,597,090 alleles (0.00013%); highest among the groups gnomAD compares: Non-Finnish European, 0.00017%; no homozygotes.

Submission:

PreventionGenetics, part of Exact Sciences
Classification: Uncertain significance for NRP1-related condition. Last evaluated: 2023-10-31. Review status: no assertion criteria provided. Collection method: clinical testing. Allele origin: germline.
Comment: The NRP1 c.1825A>G variant is predicted to result in the amino acid substitution p.Lys609Glu. To our knowledge, this variant has not been reported in the literature or in a large population database, indicating this variant is rare. At this time, the clinical significance of this variant is uncertain due to the absence of conclusive functional and genetic evidence.

NM_003873.7(NRP1):c.1924+6A>G

Gene: NRP1 (neuropilin 1; minus strand). Cytogenetic location: 10p11.22.
Variant type: single nucleotide variant.
Coding change: c.1924+6A>G on transcript NM_003873.7 (MANE Select); 6 bases into the intron after coding-DNA position 1924, A replaced by G.
Molecular consequence: intron variant. On other transcripts: missense variant (2).
Genome position (GRCh38, 1-based): chr10:33,197,644, T>C on the plus strand (A>G on the coding strand, the complement: NRP1 is on the minus strand). VCF-style: chr10-33197644-T-C. GRCh37 (hg19) VCF-style: chr10-33486572-T-C.
Other names: c.1930A>G, p.Lys644Glu (NM_001024628.3); c.1825A>G, p.Lys609Glu (NM_001024629.3); c.1903+6A>G (NM_001244973.2, NM_001244972.2); c.1924+6A>G (NM_001330068.2); short protein forms K609E, K644E.
Identifiers: ClinVar variation 3350065 (VCV003350065.1).